The following is an entry in ClinVar:

ClinVar aggregate classification (germline): Uncertain significance (1 of 4 stars; one submission).

Submission:

Labcorp Genetics (formerly Invitae), Labcorp
Classification: Uncertain significance. Last evaluated: 2023-10-25. Review status: criteria provided, single submitter. Criteria: Invitae Variant Classification Sherloc (09022015). Collection method: clinical testing. Allele origin: germline.
Comment: This sequence change replaces arginine, which is basic and polar, with serine, which is neutral and polar, at codon 876 of the KMT2A protein (p.Arg876Ser). This variant is not present in population databases (gnomAD no frequency). This variant has not been reported in the literature in individuals affected with KMT2A-related conditions. Advanced modeling of protein sequence and biophysical properties (such as structural, functional, and spatial information, amino acid conservation, physicochemical variation, residue mobility, and thermodynamic stability) performed at Invitae indicates that this missense variant is not expected to disrupt KMT2A protein function with a negative predictive value of 95%. In summary, the available evidence is currently insufficient to determine the role of this variant in disease. Therefore, it has been classified as a Variant of Uncertain Significance.

NM_001197104.2(KMT2A):c.2628A>T (p.Arg876Ser)

Gene: KMT2A (lysine methyltransferase 2A; plus strand). Cytogenetic location: 11q23.3.
Variant type: single nucleotide variant.
Coding change: c.2628A>T on transcript NM_001197104.2 (MANE Select); coding-DNA position 2628, A replaced by T.
Protein change: p.Arg876Ser; replaces arginine 876 with serine.
Molecular consequence: missense variant.
Genome position (GRCh38, 1-based): chr11:118,473,787, A>T. VCF-style: chr11-118473787-A-T. GRCh37 (hg19) VCF-style: chr11-118344502-A-T.
Other names: c.2727A>T, p.Arg909Ser (NM_001412597.1); c.2628A>T, p.Arg876Ser (NM_005933.4); short protein forms R876S, R909S.
Identifiers: ClinVar variation 2771827 (VCV002771827.3), dbSNP rs2496813375, ClinGen allele CA382816574.